The following is an entry in ClinVar:

ClinVar aggregate classification (germline): Likely benign (1 of 4 stars; one submission).

Allele frequency attached by ClinVar (database versions not stated): 1000 Genomes Project 30x 0.00016; 1000 Genomes Project 0.00020; gnomAD 0.00028; ExAC 0.00030; gnomAD exomes 0.00032; TOPMed 0.00032.
gnomAD v4.1: 496 of 1,557,192 alleles (0.032%); highest among the groups gnomAD compares: Admixed American, 0.053%; 1 homozygote.

Submission:

CeGaT Center for Human Genetics Tuebingen
Classification: Likely benign. Last evaluated: 2022-11-01. Review status: criteria provided, single submitter. Criteria: CeGaT Center For Human Genetics Tuebingen Variant Classification Criteria Version 2. Collection method: clinical testing. Allele origin: germline. Affected: yes. Observed: 2 variant alleles.
Comment: PTH2R: BP4

NM_005048.4(PTH2R):c.1076+8C>T

Gene: PTH2R (parathyroid hormone 2 receptor; plus strand). Cytogenetic location: 2q34.
Variant type: single nucleotide variant.
Coding change: c.1076+8C>T on transcript NM_005048.4 (MANE Select); 8 bases into the intron after coding-DNA position 1076, C replaced by T.
Molecular consequence: intron variant.
Genome position (GRCh38, 1-based): chr2:208,481,172, C>T. VCF-style: chr2-208481172-C-T. GRCh37 (hg19) VCF-style: chr2-209345897-C-T.
Other names: c.743+8C>T (NM_001371905.1, NM_001371906.1, NM_001309516.2); c.649-12092C>T (NM_001371907.1).
Identifiers: ClinVar variation 2651855 (VCV002651855.24), dbSNP rs200546229, ClinGen allele CA2081265.